The following is an entry in ClinVar:

NM_000287.4(PEX6):c.1634C>T (p.Ala545Val)

Gene: PEX6 (peroxisomal biogenesis factor 6; minus strand). Cytogenetic location: 6p21.1.
Variant type: single nucleotide variant.
Coding change: c.1634C>T on transcript NM_000287.4 (MANE Select); coding-DNA position 1634, C replaced by T.
Protein change: p.Ala545Val; replaces alanine 545 with valine.
Molecular consequence: missense variant. On other transcripts: non-coding transcript variant (1).
Genome position (GRCh38, 1-based): chr6:42,968,344, G>A on the plus strand (C>T on the coding strand, the complement: PEX6 is on the minus strand). VCF-style: chr6-42968344-G-A. GRCh37 (hg19) VCF-style: chr6-42936082-G-A.
Other names: c.1370C>T, p.Ala457Val (NM_001316313.2); short protein forms A545V, A457V.
Identifiers: ClinVar variation 1425599 (VCV001425599.8), dbSNP rs2114244672, ClinGen allele CA364154170.

ClinVar aggregate classification (germline): Uncertain significance (1 of 4 stars; one submission).

Conditions:
Peroxisome biogenesis disorder. Identifiers: Orphanet 79189, MedGen C1832200, MONDO:0019234. Disease mechanism: loss of function.

Allele frequency attached by ClinVar (database versions not stated): gnomAD exomes below 0.00001.
gnomAD v4.1: 7 of 1,614,176 alleles (0.00043%); highest among the groups gnomAD compares: Non-Finnish European, 0.00059%; no homozygotes.

Submission:

Labcorp Genetics (formerly Invitae), Labcorp
Classification: Uncertain significance for Peroxisome biogenesis disorder. Last evaluated: 2022-02-24. Review status: criteria provided, single submitter. Criteria: Invitae Variant Classification Sherloc (09022015). Collection method: clinical testing. Allele origin: germline.
Comment: In summary, the available evidence is currently insufficient to determine the role of this variant in disease. Therefore, it has been classified as a Variant of Uncertain Significance. Algorithms developed to predict the effect of missense changes on protein structure and function (SIFT, PolyPhen-2, Align-GVGD) all suggest that this variant is likely to be tolerated. This variant has not been reported in the literature in individuals affected with PEX6-related conditions. This variant is not present in population databases (gnomAD no frequency). This sequence change replaces alanine, which is neutral and non-polar, with valine, which is neutral and non-polar, at codon 545 of the PEX6 protein (p.Ala545Val).